The following is an entry in ClinVar:

NM_001457.4(FLNB):c.4051G>A (p.Val1351Met)

Gene: FLNB (filamin B; plus strand). Cytogenetic location: 3p14.3.
Variant type: single nucleotide variant.
Coding change: c.4051G>A on transcript NM_001457.4 (MANE Select); coding-DNA position 4051, G replaced by A.
Protein change: p.Val1351Met; replaces valine 1351 with methionine.
Molecular consequence: missense variant.
Genome position (GRCh38, 1-based): chr3:58,125,733, G>A. VCF-style: chr3-58125733-G-A. GRCh37 (hg19) VCF-style: chr3-58111460-G-A.
Other names: c.4051G>A, p.Val1351Met (NM_001164317.2, NM_001164318.2, NM_001164319.2); c.4051G>A (NM_001457.3); short protein forms V1351M.
Identifiers: ClinVar variation 1978998 (VCV001978998.5), dbSNP rs1029522759, ClinGen allele CA75449835.

ClinVar aggregate classification (germline): Uncertain significance. Review status: criteria provided, multiple submitters, no conflicts (2 of 4 stars). 2 submissions from 2 submitters: Uncertain significance (2). Last evaluated 2025-01-13.

Allele frequency attached by ClinVar (database versions not stated): TOPMed below 0.00001; gnomAD 0.00001; gnomAD exomes 0.00001.
gnomAD v4.1: 18 of 1,614,018 alleles (0.0011%); highest among the groups gnomAD compares: African/African-American, 0.0053%; no homozygotes.

Submissions (2):

Labcorp Genetics (formerly Invitae), Labcorp
Classification: Uncertain significance. Last evaluated: 2025-01-13. Review status: criteria provided, single submitter. Criteria: Invitae Variant Classification Sherloc (09022015). Collection method: clinical testing. Allele origin: germline.
Comment: This sequence change replaces valine, which is neutral and non-polar, with methionine, which is neutral and non-polar, at codon 1351 of the FLNB protein (p.Val1351Met). This variant is present in population databases (no rsID available, gnomAD 0.0009%). This variant has not been reported in the literature in individuals affected with FLNB-related conditions. ClinVar contains an entry for this variant (Variation ID: 1978998). Invitae Evidence Modeling of protein sequence and biophysical properties (such as structural, functional, and spatial information, amino acid conservation, physicochemical variation, residue mobility, and thermodynamic stability) indicates that this missense variant is not expected to disrupt FLNB protein function with a negative predictive value of 80%. In summary, the available evidence is currently insufficient to determine the role of this variant in disease. Therefore, it has been classified as a Variant of Uncertain Significance.

GeneDx
Classification: Uncertain significance. Last evaluated: 2023-02-07. Review status: criteria provided, single submitter. Criteria: GeneDx Variant Classification Process June 2021. Collection method: clinical testing. Allele origin: germline. Affected: yes.
Comment: Not observed at significant frequency in large population cohorts (gnomAD); In silico analysis supports that this missense variant has a deleterious effect on protein structure/function; Has not been previously published as pathogenic or benign to our knowledge